The following is an entry in ClinVar:

ClinVar aggregate classification (germline): Uncertain significance (1 of 4 stars; one submission).

Allele frequency attached by ClinVar (database versions not stated): gnomAD exomes 0.00001; TOPMed 0.00001; ExAC 0.00002.

Submission:

Labcorp Genetics (formerly Invitae), Labcorp
Classification: Uncertain significance. Last evaluated: 2022-06-01. Review status: criteria provided, single submitter. Criteria: Invitae Variant Classification Sherloc (09022015). Collection method: clinical testing. Allele origin: germline.
Comment: Algorithms developed to predict the effect of missense changes on protein structure and function output the following: SIFT: "Tolerated"; PolyPhen-2: "Benign"; Align-GVGD: "Class C0". The isoleucine amino acid residue is found in multiple mammalian species, which suggests that this missense change does not adversely affect protein function. This variant has not been reported in the literature in individuals affected with MRPL3-related conditions. This variant is present in population databases (rs754419878, gnomAD 0.006%). This sequence change replaces leucine, which is neutral and non-polar, with isoleucine, which is neutral and non-polar, at codon 41 of the MRPL3 protein (p.Leu41Ile). In summary, the available evidence is currently insufficient to determine the role of this variant in disease. Therefore, it has been classified as a Variant of Uncertain Significance.

NM_007208.4(MRPL3):c.121C>A (p.Leu41Ile)

Gene: MRPL3 (mitochondrial ribosomal protein L3; minus strand). Cytogenetic location: 3q22.1.
Variant type: single nucleotide variant.
Coding change: c.121C>A on transcript NM_007208.4 (MANE Select); coding-DNA position 121, C replaced by A.
Protein change: p.Leu41Ile; replaces leucine 41 with isoleucine.
Molecular consequence: missense variant.
Genome position (GRCh38, 1-based): chr3:131,501,687, G>T on the plus strand (C>A on the coding strand, the complement: MRPL3 is on the minus strand). VCF-style: chr3-131501687-G-T. GRCh37 (hg19) VCF-style: chr3-131220531-G-T.
Other names: short protein forms L41I.
Identifiers: ClinVar variation 2038050 (VCV002038050.3), dbSNP rs754419878, ClinGen allele CA2617223.